The following is an entry in ClinVar:

ClinVar aggregate classification (germline): Uncertain significance (1 of 4 stars; one submission).

Submission:

GeneDx
Classification: Uncertain significance. Last evaluated: 2024-03-19. Review status: criteria provided, single submitter. Criteria: GeneDx Variant Classification Process June 2021. Collection method: clinical testing. Allele origin: germline. Affected: yes.
Comment: Not observed at significant frequency in large population cohorts (gnomAD); In silico analysis supports that this missense variant has a deleterious effect on protein structure/function; Has not been previously published as pathogenic or benign to our knowledge

NM_003244.4(TGIF1):c.334C>A (p.Arg112Ser)

Gene: TGIF1 (TGFB induced factor homeobox 1; plus strand). Cytogenetic location: 18p11.31.
Variant type: single nucleotide variant.
Coding change: c.334C>A on transcript NM_003244.4 (MANE Select); coding-DNA position 334, C replaced by A.
Protein change: p.Arg112Ser; replaces arginine 112 with serine.
Molecular consequence: missense variant.
Genome position (GRCh38, 1-based): chr18:3,457,455, C>A. VCF-style: chr18-3457455-C-A. GRCh37 (hg19) VCF-style: chr18-3457453-C-A.
Other names: c.343C>A, p.Arg115Ser (NM_001278682.2); c.334C>A, p.Arg112Ser (NM_001278684.2, NM_173208.3); c.274C>A, p.Arg92Ser (NM_001278686.3, NM_001374396.1, NM_001374397.1 and 5 more transcripts); c.376C>A, p.Arg126Ser (NM_173207.4); short protein forms R112S, R115S, R126S, R92S.
Identifiers: ClinVar variation 3370927 (VCV003370927.1).